The following is an entry in ClinVar:

ClinVar aggregate classification (germline): Uncertain significance (1 of 4 stars; one submission).

gnomAD v4.1: 4 of 1,613,756 alleles (0.00025%); highest among the groups gnomAD compares: Admixed American, 0.0017%; no homozygotes.

Submission:

Labcorp Genetics (formerly Invitae), Labcorp
Classification: Uncertain significance. Last evaluated: 2025-01-22. Review status: criteria provided, single submitter. Criteria: Invitae Variant Classification Sherloc (09022015). Collection method: clinical testing. Allele origin: germline.
Comment: This sequence change replaces threonine, which is neutral and polar, with methionine, which is neutral and non-polar, at codon 2555 of the ITPR1 protein (p.Thr2555Met). This variant is not present in population databases (gnomAD no frequency). This variant has not been reported in the literature in individuals affected with ITPR1-related conditions. Invitae Evidence Modeling of protein sequence and biophysical properties (such as structural, functional, and spatial information, amino acid conservation, physicochemical variation, residue mobility, and thermodynamic stability) indicates that this missense variant is expected to disrupt ITPR1 protein function with a positive predictive value of 95%. In summary, the available evidence is currently insufficient to determine the role of this variant in disease. Therefore, it has been classified as a Variant of Uncertain Significance.

NM_001378452.1(ITPR1):c.7853C>T (p.Thr2618Met)

Genes: ITPR1 (inositol 1,4,5-trisphosphate receptor type 1; plus strand), LOC126806590 (MED14-independent group 3 enhancer GRCh37_chr3:4855759-4856958; plus strand). Cytogenetic location: 3p26.1.
Variant type: single nucleotide variant.
Coding change: c.7853C>T on transcript NM_001378452.1 (MANE Select); coding-DNA position 7853, C replaced by T.
Protein change: p.Thr2618Met; replaces threonine 2618 with methionine.
Molecular consequence: missense variant.
Genome position (GRCh38, 1-based): chr3:4,815,204, C>T. VCF-style: chr3-4815204-C-T. GRCh37 (hg19) VCF-style: chr3-4856888-C-T.
Other names: c.7709C>T, p.Thr2570Met (NM_001099952.4); c.7808C>T, p.Thr2603Met (NM_001168272.2); c.7664C>T, p.Thr2555Met (NM_002222.7); short protein forms T2555M, T2570M, T2603M, T2618M.
Identifiers: ClinVar variation 3623411 (VCV003623411.2).
Genomic context (GRCh38, chr3:4,815,204, plus strand): 5'-TTGACACTTTTGCTGACCTGAGGAGTGAGAAGCAGAAGAAGGAAGAGATCTTGAAGACCA[C>T]GTGCTTTATCTGTGGTGAGTGTCGCTGGCCAGCTCCAGCAAGGGCGTGAAGGCCCAGCGT-3'
Protein context (NP_001365381.1, residues 2608-2628): KQKKEEILKT[Thr2618Met]CFICGLERDK